The following is an entry in ClinVar:

NM_001482.3(GATM):c.652A>G (p.Met218Val)

Gene: GATM (glycine amidinotransferase; minus strand). Cytogenetic location: 15q21.1.
Variant type: single nucleotide variant.
Coding change: c.652A>G on transcript NM_001482.3 (MANE Select); coding-DNA position 652, A replaced by G.
Protein change: p.Met218Val; replaces methionine 218 with valine.
Molecular consequence: missense variant.
Genome position (GRCh38, 1-based): chr15:45,368,093, T>C on the plus strand (A>G on the coding strand, the complement: GATM is on the minus strand). VCF-style: chr15-45368093-T-C. GRCh37 (hg19) VCF-style: chr15-45660291-T-C.
Other names: c.265A>G, p.Met89Val (NM_001321015.2); short protein forms M89V, M218V.
Identifiers: ClinVar variation 3008268 (VCV003008268.3), dbSNP rs2541991801, ClinGen allele CA392260589.
Genomic context (GRCh38, chr15:45,368,093, plus strand): 5'-AAGTTAGTAATAAGCTAGCCTATAATTAGGGACTCACCTGGTTATAAAGCTCATCAGCCA[T>C]TGTGGGCTTAGGAGCTGTTGTCCACTTGGCGCCACGGTGGAAGTAGTCTTTGATAATTGA-3'
Protein context (NP_001473.1, residues 208-228): AKWTTAPKPT[Met218Val]ADELYNQDYP

ClinVar aggregate classification (germline): Uncertain significance (1 of 4 stars; one submission).

Conditions:
Arginine:glycine amidinotransferase deficiency (CCDS3). Also called: Creatine deficiency syndrome due to AGAT deficiency; Cerebral creatine deficiency syndrome 3; AGAT deficiency; GATM deficiency; L-Arginine:Glycine Amidinotransferase (AGAT) Deficiency; L-Arginine:Glycine Amidinotransferase Deficiency. Identifiers: Orphanet 35704, MedGen C2675179, MONDO:0012996, OMIM 612718.

Allele frequency attached by ClinVar (database versions not stated): gnomAD exomes below 0.00001.
gnomAD v4.1: 2 of 1,614,134 alleles (0.00012%); highest among the groups gnomAD compares: Non-Finnish European, 0.00017%; no homozygotes.

Submission:

Labcorp Genetics (formerly Invitae), Labcorp
Classification: Uncertain significance for Arginine:glycine amidinotransferase deficiency. Last evaluated: 2023-08-02. Review status: criteria provided, single submitter. Criteria: Invitae Variant Classification Sherloc (09022015). Collection method: clinical testing. Allele origin: germline.
Comment: This variant is not present in population databases (gnomAD no frequency). In summary, the available evidence is currently insufficient to determine the role of this variant in disease. Therefore, it has been classified as a Variant of Uncertain Significance. Advanced modeling of protein sequence and biophysical properties (such as structural, functional, and spatial information, amino acid conservation, physicochemical variation, residue mobility, and thermodynamic stability) has been performed at Invitae for this missense variant, however the output from this modeling did not meet the statistical confidence thresholds required to predict the impact of this variant on GATM protein function. This variant has not been reported in the literature in individuals affected with GATM-related conditions. This sequence change replaces methionine, which is neutral and non-polar, with valine, which is neutral and non-polar, at codon 218 of the GATM protein (p.Met218Val).